The following is an entry in ClinVar:

NM_000143.4(FH):c.596C>T (p.Ala199Val)

Gene: FH (fumarate hydratase; minus strand). Cytogenetic location: 1q43.
Variant type: single nucleotide variant.
Coding change: c.596C>T on transcript NM_000143.4 (MANE Select); coding-DNA position 596, C replaced by T.
Protein change: p.Ala199Val; replaces alanine 199 with valine.
Molecular consequence: missense variant.
Genome position (GRCh38, 1-based): chr1:241,508,745, G>A on the plus strand (C>T on the coding strand, the complement: FH is on the minus strand). VCF-style: chr1-241508745-G-A. GRCh37 (hg19) VCF-style: chr1-241672045-G-A.
Other names: short protein forms A199V.
Identifiers: ClinVar variation 3515114 (VCV003515114.3).

ClinVar aggregate classification (germline): Uncertain significance. Review status: criteria provided, multiple submitters, no conflicts (2 of 4 stars). 2 submissions from 2 submitters: Uncertain significance (2). Last evaluated 2024-11-02.

Conditions:
Hereditary cancer-predisposing syndrome. Also called: Tumor predisposition; Neoplastic Syndromes, Hereditary; Hereditary Cancer Syndrome; Hereditary neoplastic syndrome. Identifiers: Orphanet 140162, MedGen C0027672, MeSH D009386, MONDO:0015356.

gnomAD v4.1: 3 of 1,613,752 alleles (0.00019%); highest among the groups gnomAD compares: Non-Finnish European, 0.00025%; no homozygotes.

Submissions (2):

Ambry Genetics
Classification: Uncertain significance for Hereditary cancer-predisposing syndrome. Last evaluated: 2024-11-02. Review status: criteria provided, single submitter. Criteria: Ambry Variant Classification Scheme 2023. Collection method: clinical testing. Allele origin: germline.
Comment: The p.A199V variant (also known as c.596C>T), located in coding exon 5 of the FH gene, results from a C to T substitution at nucleotide position 596. The alanine at codon 199 is replaced by valine, an amino acid with similar properties. This amino acid position is conserved. In addition, the in silico prediction for this alteration is inconclusive. Based on the available evidence, the clinical significance of this variant remains unclear.

Labcorp Genetics (formerly Invitae), Labcorp
Classification: Uncertain significance. Last evaluated: 2024-06-30. Review status: criteria provided, single submitter. Criteria: Invitae Variant Classification Sherloc (09022015). Collection method: clinical testing. Allele origin: germline.
Comment: This sequence change replaces alanine, which is neutral and non-polar, with valine, which is neutral and non-polar, at codon 199 of the FH protein (p.Ala199Val). This variant is present in population databases (rs775099009, gnomAD 0.0009%). This variant has not been reported in the literature in individuals affected with FH-related conditions. Advanced modeling of protein sequence and biophysical properties (such as structural, functional, and spatial information, amino acid conservation, physicochemical variation, residue mobility, and thermodynamic stability) performed at Invitae indicates that this missense variant is not expected to disrupt FH protein function with a negative predictive value of 95%. In summary, the available evidence is currently insufficient to determine the role of this variant in disease. Therefore, it has been classified as a Variant of Uncertain Significance.